The following is an entry in ClinVar:

NM_177402.5(SYT2):c.144G>C (p.Lys48Asn)

Gene: SYT2 (synaptotagmin 2; minus strand). Cytogenetic location: 1q32.1.
Variant type: single nucleotide variant.
Coding change: c.144G>C on transcript NM_177402.5 (MANE Select); coding-DNA position 144, G replaced by C.
Protein change: p.Lys48Asn; replaces lysine 48 with asparagine.
Molecular consequence: missense variant.
Genome position (GRCh38, 1-based): chr1:202,605,629, C>G on the plus strand (G>C on the coding strand, the complement: SYT2 is on the minus strand). VCF-style: chr1-202605629-C-G. GRCh37 (hg19) VCF-style: chr1-202574757-C-G.
Other names: c.144G>C, p.Lys48Asn (NM_001136504.1); short protein forms K48N.
Identifiers: ClinVar variation 3722711 (VCV003722711.2).
Genomic context (GRCh38, chr1:202,605,629, plus strand): 5'-CCCTCTCAGCCACCAGAGACACTCACAGGGAATCTTGTTTATCTCATTGAATAACTTCTC[C>G]TTCAGTTTGGCAAACATGTCCTCCTGGCTCTCCCCAGCACCCCCACTCTCAGTGGAGTTG-3'
Protein context (NP_796376.2, residues 38-58): ESQEDMFAKL[Lys48Asn]EKLFNEINKI

ClinVar aggregate classification (germline): Uncertain significance (1 of 4 stars; one submission).

Submission:

Labcorp Genetics (formerly Invitae), Labcorp
Classification: Uncertain significance. Last evaluated: 2024-10-11. Review status: criteria provided, single submitter. Criteria: Invitae Variant Classification Sherloc (09022015). Collection method: clinical testing. Allele origin: germline.
Comment: This sequence change replaces lysine, which is basic and polar, with asparagine, which is neutral and polar, at codon 48 of the SYT2 protein (p.Lys48Asn). This variant is not present in population databases (gnomAD no frequency). This variant has not been reported in the literature in individuals affected with SYT2-related conditions. An algorithm developed to predict the effect of missense changes on protein structure and function (PolyPhen-2) suggests that this variant is likely to be tolerated. In summary, the available evidence is currently insufficient to determine the role of this variant in disease. Therefore, it has been classified as a Variant of Uncertain Significance.